The following is an entry in ClinVar:

ClinVar aggregate classification (germline): Likely benign (1 of 4 stars; one submission).

gnomAD v4.1: 1 of 1,614,134 alleles (0.000062%); highest among the groups gnomAD compares: Non-Finnish European, 0.000085%; no homozygotes.

Submission:

CeGaT Center for Human Genetics Tuebingen
Classification: Likely benign. Last evaluated: 2026-05-01. Review status: criteria provided, single submitter. Criteria: CeGaT Center For Human Genetics Tuebingen Variant Classification Criteria Version 2. Collection method: clinical testing. Allele origin: germline. Affected: yes. Observed: 1 variant allele.
Comment: MOCS1: BP4, BP7

NM_001358530.2(MOCS1):c.1395T>A (p.Gly465=)

Gene: MOCS1 (molybdenum cofactor synthesis 1; minus strand). Cytogenetic location: 6p21.2.
Variant type: single nucleotide variant.
Coding change: c.1395T>A on transcript NM_001358530.2 (MANE Select); coding-DNA position 1395, T replaced by A.
Protein change: p.Gly465=; no amino-acid change (glycine 465 retained).
Molecular consequence: synonymous variant. On other transcripts: 3 prime UTR variant (4), non-coding transcript variant (1).
Genome position (GRCh38, 1-based): chr6:39,906,873, A>T on the plus strand (T>A on the coding strand, the complement: MOCS1 is on the minus strand). VCF-style: chr6-39906873-A-T. GRCh37 (hg19) VCF-style: chr6-39874649-A-T.
Other names: c.*252T>A (NM_001075098.4, NM_001358533.2, NM_001358534.2 and 1 more transcripts); c.1347T>A, p.Gly449= (NM_001358529.2); c.1134T>A, p.Gly378= (NM_001358531.2).
Identifiers: ClinVar variation 4873946 (VCV004873946.2).